The following is an entry in ClinVar:

NM_000494.4(COL17A1):c.3324G>A (p.Arg1108=)

Gene: COL17A1 (collagen type XVII alpha 1 chain; minus strand). Cytogenetic location: 10q25.1.
Variant type: single nucleotide variant.
Coding change: c.3324G>A on transcript NM_000494.4 (MANE Select); coding-DNA position 3324, G replaced by A.
Protein change: p.Arg1108=; no amino-acid change (arginine 1108 retained).
Molecular consequence: synonymous variant.
Genome position (GRCh38, 1-based): chr10:104,036,586, C>T on the plus strand (G>A on the coding strand, the complement: COL17A1 is on the minus strand). VCF-style: chr10-104036586-C-T. GRCh37 (hg19) VCF-style: chr10-105796344-C-T.
Identifiers: ClinVar variation 4988377 (VCV004988377.1).

ClinVar aggregate classification (germline): Likely benign (1 of 4 stars; one submission).

Conditions:
COL17A1-related disorder. Also called: COL17A1-related condition.

gnomAD v4.1: 1 of 1,614,008 alleles (0.000062%); highest among the groups gnomAD compares: Admixed American, 0.0017%; no homozygotes.

Submission:

PreventionGenetics, part of Exact Sciences
Classification: Likely benign for COL17A1-related condition. Last evaluated: 2026-08-07. Review status: criteria provided, single submitter. Criteria: ACMG Guidelines, 2015. Collection method: clinical testing. Allele origin: germline.
Comment: This variant is classified as likely benign based on ACMG/AMP sequence variant interpretation guidelines (Richards et al. 2015 PMID: 25741868, with internal and published modifications).